The following is an entry in ClinVar:

NM_213720.3(CHCHD10):c.359C>T (p.Ser120Phe)

Gene: CHCHD10 (coiled-coil-helix-coiled-coil-helix domain containing 10; minus strand). Cytogenetic location: 22q11.23.
Variant type: single nucleotide variant.
Coding change: c.359C>T on transcript NM_213720.3 (MANE Select); coding-DNA position 359, C replaced by T.
Protein change: p.Ser120Phe; replaces serine 120 with phenylalanine.
Molecular consequence: missense variant. On other transcripts: non-coding transcript variant (2).
Genome position (GRCh38, 1-based): chr22:23,766,178, G>A on the plus strand (C>T on the coding strand, the complement: CHCHD10 is on the minus strand). VCF-style: chr22-23766178-G-A. GRCh37 (hg19) VCF-style: chr22-24108365-G-A.
Other names: c.380C>T, p.Ser127Phe (NM_001301339.2); c.359C>T (NM_213720.2); short protein forms S120F, S127F.
Identifiers: ClinVar variation 1963379 (VCV001963379.7), dbSNP rs1287419144, ClinGen allele CA410914507.

ClinVar aggregate classification (germline): Uncertain significance. Review status: criteria provided, multiple submitters, no conflicts (2 of 4 stars). 3 submissions from 3 submitters: Uncertain significance (3). Last evaluated 2026-04-09.

Conditions:
CHCHD10-related disorder. Also called: CHCHD10-related condition; CHCHD10-Related Disorders. Identifiers: MedGen CN381526.
Lower motor neuron syndrome with late-adult onset (SMAJ). Also called: Spinal muscular atrophy, Jokela type; Late-Onset Spinal Motor Neuronopathy (SMAJ). Identifiers: Orphanet 276435, MedGen C3554398, MONDO:0014025, OMIM 615048.
Frontotemporal dementia and/or amyotrophic lateral sclerosis 2. Also called: FTDALS2. Identifiers: Orphanet 275872, MedGen C4014648, MONDO:0014395, OMIM 615911.
Autosomal dominant mitochondrial myopathy with exercise intolerance (IMMD). Also called: Myopathy, isolated mitochondrial, autosomal dominant. Identifiers: Orphanet 457050, MedGen C4015513, MONDO:0014532, OMIM 616209.

Submissions (3):

GeneDx
Classification: Uncertain significance. Last evaluated: 2026-04-09. Review status: criteria provided, single submitter. Criteria: GeneDx Variant Classification Process June 2021. Collection method: clinical testing. Allele origin: germline.
Comment: Not observed at significant frequency in large population cohorts (gnomAD); In silico analysis supports that this missense variant has a deleterious effect on protein structure/function; Has not been previously published as pathogenic or benign to our knowledge

Labcorp Genetics (formerly Invitae), Labcorp
Classification: Uncertain significance for Lower motor neuron syndrome with late-adult onset; Frontotemporal dementia and/or amyotrophic lateral sclerosis 2; Autosomal dominant mitochondrial myopathy with exercise intolerance. Last evaluated: 2025-05-22. Review status: criteria provided, single submitter. Criteria: Invitae Variant Classification Sherloc (09022015). Collection method: clinical testing. Allele origin: germline.
Comment: This sequence change replaces serine, which is neutral and polar, with phenylalanine, which is neutral and non-polar, at codon 120 of the CHCHD10 protein (p.Ser120Phe). This variant is not present in population databases (gnomAD no frequency). This variant has not been reported in the literature in individuals affected with CHCHD10-related conditions. ClinVar contains an entry for this variant (Variation ID: 1963379). An algorithm developed to predict the effect of missense changes on protein structure and function (PolyPhen-2) suggests that this variant is likely to be disruptive. In summary, the available evidence is currently insufficient to determine the role of this variant in disease. Therefore, it has been classified as a Variant of Uncertain Significance.

PreventionGenetics, part of Exact Sciences
Classification: Uncertain significance for CHCHD10-related condition. Last evaluated: 2025-04-24. Review status: criteria provided, single submitter. Criteria: ACMG Guidelines, 2015. Collection method: clinical testing. Allele origin: germline.
Comment: The CHCHD10 c.359C>T variant is predicted to result in the amino acid substitution p.Ser120Phe. To our knowledge, this variant has not been reported in the literature or in a large population database (gnomAD), indicating this variant is rare. At this time, the clinical significance of this variant is uncertain due to the absence of conclusive functional and genetic evidence.